The following is an entry in ClinVar:

ClinVar aggregate classification (germline): Uncertain significance (1 of 4 stars; one submission).

Submission:

GeneDx
Classification: Uncertain significance. Last evaluated: 2022-07-15. Review status: criteria provided, single submitter. Criteria: GeneDx Variant Classification Process June 2021. Collection method: clinical testing. Allele origin: germline. Affected: yes.
Comment: Not observed at significant frequency in large population cohorts (gnomAD); In silico analysis supports that this missense variant has a deleterious effect on protein structure/function; Has not been previously published as pathogenic or benign to our knowledge

NM_013247.5(HTRA2):c.1096A>C (p.Met366Leu)

Gene: HTRA2 (HtrA serine peptidase 2; plus strand). Cytogenetic location: 2p13.1.
Variant type: single nucleotide variant.
Coding change: c.1096A>C on transcript NM_013247.5 (MANE Select); coding-DNA position 1096, A replaced by C.
Protein change: p.Met366Leu; replaces methionine 366 with leucine.
Molecular consequence: missense variant. On other transcripts: non-coding transcript variant (4).
Genome position (GRCh38, 1-based): chr2:74,531,906, A>C. VCF-style: chr2-74531906-A-C. GRCh37 (hg19) VCF-style: chr2-74759033-A-C.
Other names: c.1126A>C, p.Met376Leu (NM_001321727.1); c.1096A>C, p.Met366Leu (NM_001321728.1); c.901A>C, p.Met301Leu (NM_145074.2); short protein forms M301L, M366L, M376L.
Identifiers: ClinVar variation 1878945 (VCV001878945.1), dbSNP rs747906888, ClinGen allele CA347381537.